The following is an entry in ClinVar:

NM_000789.4(ACE):c.2299G>A (p.Glu767Lys)

Gene: ACE (angiotensin I converting enzyme; plus strand). Cytogenetic location: 17q23.3.
Variant type: single nucleotide variant.
Coding change: c.2299G>A on transcript NM_000789.4 (MANE Select); coding-DNA position 2299, G replaced by A.
Protein change: p.Glu767Lys; replaces glutamic acid 767 with lysine.
Molecular consequence: missense variant.
Genome position (GRCh38, 1-based): chr17:63,487,067, G>A. VCF-style: chr17-63487067-G-A. GRCh37 (hg19) VCF-style: chr17-61564428-G-A.
Other names: c.577G>A, p.Glu193Lys (NM_001178057.2, NM_152830.3); short protein forms E767K, E193K.
Identifiers: ClinVar variation 324391 (VCV000324391.13), dbSNP rs148995315, ClinGen allele CA8699997.

ClinVar aggregate classification (germline): Conflicting classifications of pathogenicity. Review status: criteria provided, conflicting classifications (1 of 4 stars). 6 submissions from 6 submitters: Uncertain significance (4); Likely benign (1). 1 of the submissions does not count toward it. Last evaluated 2026-04-07.

Conditions:
Renal tubular dysgenesis. Also called: Renotubular dysgenesis. Identifiers: Orphanet 3033, MedGen C0266313, MONDO:0017609, HP:0008660.
Microvascular complications of diabetes, susceptibility to, 3. Identifiers: MedGen C2675470, MONDO:0012963, OMIM 612624.
Renal tubular dysgenesis of genetic origin. Also called: PRIMITIVE RENAL TUBULE SYNDROME. Identifiers: Orphanet 97369, MedGen C5681536, MONDO:0009970, OMIM 267430.
Hemorrhage, intracerebral, susceptibility to (ICH). Also called: Stroke, hemorrhagic, susceptibility to. Identifiers: MedGen C3281105, MONDO:0100533, OMIM 614519.
ACE-related disorder. Also called: ACE-related condition; ACE-related disorders.

Allele frequency attached by ClinVar (database versions not stated): ESP Exome Variant Server 0.00015; gnomAD 0.00019 and 0.00021; TOPMed 0.00019; ExAC 0.00031; gnomAD exomes 0.00026 and 0.00038.
gnomAD v4.1: 586 of 1,613,312 alleles (0.036%); highest among the groups gnomAD compares: Middle Eastern, 0.082%; 1 homozygote.

Submissions (6):

GeneDx
Classification: Uncertain significance. Last evaluated: 2026-04-07. Review status: criteria provided, single submitter. Criteria: GeneDx Variant Classification Process June 2021. Collection method: clinical testing. Allele origin: germline.
Comment: In silico analysis supports that this missense variant has a deleterious effect on protein structure/function; Has not been previously published in association with ACE-related disorders to our knowledge; This variant is associated with the following publications: (PMID: 29420653, 29273096, 28719003, 40070865, 26740555, 38255267, 27249223, 29263839)

PreventionGenetics, part of Exact Sciences
Classification: Uncertain significance for ACE-related condition. Last evaluated: 2025-07-31. Review status: criteria provided, single submitter. Criteria: ACMG Guidelines, 2015. Collection method: clinical testing. Allele origin: germline.
Comment: The ACE c.2299G>A variant is predicted to result in the amino acid substitution p.Glu767Lys. To our knowledge, this variant has not been reported in the literature. This variant is reported in 0.043% of alleles in individuals of European (Non-Finnish) descent in gnomAD. At this time, the clinical significance of this variant is uncertain due to the absence of conclusive functional and genetic evidence.

Labcorp Genetics (formerly Invitae), Labcorp
Classification: Uncertain significance. Last evaluated: 2024-07-17. Review status: criteria provided, single submitter. Criteria: Invitae Variant Classification Sherloc (09022015). Collection method: clinical testing. Allele origin: germline.
Comment: This sequence change replaces glutamic acid, which is acidic and polar, with lysine, which is basic and polar, at codon 767 of the ACE protein (p.Glu767Lys). This variant is present in population databases (rs148995315, gnomAD 0.04%). This variant has not been reported in the literature in individuals affected with ACE-related conditions. ClinVar contains an entry for this variant (Variation ID: 324391). Advanced modeling of protein sequence and biophysical properties (such as structural, functional, and spatial information, amino acid conservation, physicochemical variation, residue mobility, and thermodynamic stability) performed at Invitae indicates that this missense variant is not expected to disrupt ACE protein function with a negative predictive value of 80%. In summary, the available evidence is currently insufficient to determine the role of this variant in disease. Therefore, it has been classified as a Variant of Uncertain Significance.

Fulgent Genetics
Classification: Likely benign for Renal tubular dysgenesis of genetic origin; Microvascular complications of diabetes, susceptibility to, 3; Hemorrhage, intracerebral, susceptibility to. Last evaluated: 2024-05-03. Review status: criteria provided, single submitter. Criteria: ACMG Guidelines, 2015. Collection method: clinical testing. Allele origin: germline.

Illumina Laboratory Services, Illumina
Classification: Uncertain significance for Renal tubular dysgenesis of genetic origin. Last evaluated: 2018-01-13. Review status: criteria provided, single submitter. Criteria: ICSL Variant Classification Criteria 13 December 2019. Collection method: clinical testing. Allele origin: germline.

Department of Pathology and Laboratory Medicine, Sinai Health System
Classification: Uncertain significance. Review status: no assertion criteria provided. Collection method: clinical testing. Allele origin: unknown. Affected: yes. Study: The Canadian Open Genetics Repository (COGR). Not counted in ClinVar's aggregate classification.
Comment: The ACE p.Glu193Lys variant was not identified in the literature nor was it identified in Cosmic. The variant was identified in dbSNP (ID: rs148995315), ClinVar (classified as a VUS by Illumina) and LOVD 3.0. The variant was also identified in control databases in 72 of 281502 chromosomes at a frequency of 0.000256 (Genome Aggregation Database Feb 27, 2017). The variant was observed in the following populations: European (non-Finnish) in 55 of 128060 chromosomes (freq: 0.00043), Other in 2 of 7214 chromosomes (freq: 0.000277), South Asian in 7 of 30614 chromosomes (freq: 0.000229), Latino in 6 of 35414 chromosomes (freq: 0.000169), African in 1 of 24896 chromosomes (freq: 0.00004) and European (Finnish) in 1 of 25046 chromosomes (freq: 0.00004), while the variant was not observed in the Ashkenazi Jewish and East Asian populations. The p.Glu193 residue is conserved in mammals and computational analyses (PolyPhen-2, SIFT, AlignGVGD, BLOSUM, MutationTaster) provide inconsistent predictions regarding the impact to the protein; this information is not very predictive of pathogenicity. The variant occurs outside of the splicing consensus sequence and in silico or computational prediction software programs (SpliceSiteFinder, MaxEntScan, NNSPLICE, GeneSplicer) do not predict a difference in splicing. In summary, based on the above information the clinical significance of this variant cannot be determined with certainty at this time. This variant is classified as a variant of uncertain significance.